The following is an entry in ClinVar:

NM_133433.4(NIPBL):c.8105A>C (p.Asn2702Thr)

Gene: NIPBL (NIPBL cohesin loading factor; plus strand). Cytogenetic location: 5p13.2.
Variant type: single nucleotide variant.
Coding change: c.8105A>C on transcript NM_133433.4 (MANE Select); coding-DNA position 8105, A replaced by C.
Protein change: p.Asn2702Thr; replaces asparagine 2702 with threonine.
Molecular consequence: missense variant. On other transcripts: 3 prime UTR variant (1).
Genome position (GRCh38, 1-based): chr5:37,064,582, A>C. VCF-style: chr5-37064582-A-C. GRCh37 (hg19) VCF-style: chr5-37064684-A-C.
Other names: c.*559A>C (NM_015384.5); short protein forms N2702T.
Identifiers: ClinVar variation 2579366 (VCV002579366.1), dbSNP rs2478768984, ClinGen allele CA359522100.

ClinVar aggregate classification (germline): Uncertain significance (1 of 4 stars; one submission).

Submission:

GeneDx
Classification: Uncertain significance. Last evaluated: 2023-03-06. Review status: criteria provided, single submitter. Criteria: GeneDx Variant Classification Process June 2021. Collection method: clinical testing. Allele origin: germline. Affected: yes.
Comment: Not observed at significant frequency in large population cohorts (gnomAD); In silico analysis supports that this missense variant does not alter protein structure/function; Has not been previously published as pathogenic or benign to our knowledge